The following is an entry in ClinVar:

ClinVar aggregate classification (germline): Likely benign. Review status: criteria provided, multiple submitters, no conflicts (2 of 4 stars). 3 submissions from 3 submitters: Likely benign (3). Last evaluated 2025-04-14.

Conditions:
Developmental and epileptic encephalopathy, 69. Also called: EPILEPTIC ENCEPHALOPATHY, EARLY INFANTILE, 69. Identifiers: MedGen C4748988, MONDO:0032657, OMIM 618285.

Allele frequency attached by ClinVar (database versions not stated): gnomAD 0.00002; TOPMed 0.00004.
gnomAD v4.1: 8 of 1,613,638 alleles (0.0005%); highest among the groups gnomAD compares: Admixed American, 0.0067%; no homozygotes.

Submissions (3):

Labcorp Genetics (formerly Invitae), Labcorp
Classification: Likely benign. Last evaluated: 2025-04-14. Review status: criteria provided, single submitter. Criteria: Invitae Variant Classification Sherloc (09022015). Collection method: clinical testing. Allele origin: germline.

Genome-Nilou Lab
Classification: Likely benign for Developmental and epileptic encephalopathy, 69. Last evaluated: 2023-04-11. Review status: criteria provided, single submitter. Criteria: ACMG Guidelines, 2015. Collection method: clinical testing. Allele origin: germline. Affected: no.

GeneDx
Classification: Likely benign. Last evaluated: 2022-03-11. Review status: criteria provided, single submitter. Criteria: GeneDx Variant Classification Process June 2021. Collection method: clinical testing. Allele origin: germline. Affected: yes.
Comment: Not observed at significant frequency in large population cohorts (gnomAD); Has not been previously published as pathogenic or benign to our knowledge; In silico analysis supports that this variant does not alter splicing; Nucleotide substitution has no predicted effect on splicing and is not conserved across species; This variant is associated with the following publications: (PMID: 27535533)

NM_001205293.3(CACNA1E):c.246C>G (p.Ala82=)

Gene: CACNA1E (calcium voltage-gated channel subunit alpha1 E; plus strand). Cytogenetic location: 1q25.3.
Variant type: single nucleotide variant.
Coding change: c.246C>G on transcript NM_001205293.3 (MANE Select); coding-DNA position 246, C replaced by G.
Protein change: p.Ala82=; no amino-acid change (alanine 82 retained).
Molecular consequence: synonymous variant.
Genome position (GRCh38, 1-based): chr1:181,483,990, C>G. VCF-style: chr1-181483990-C-G. GRCh37 (hg19) VCF-style: chr1-181453126-C-G.
Other names: c.246C>G, p.Ala82= (NM_000721.4, NM_001205294.2).
Identifiers: ClinVar variation 1331279 (VCV001331279.8), dbSNP rs945252835, ClinGen allele CA34178254.
Genomic context (GRCh38, chr1:181,483,990, plus strand): 5'-TTTCACCGTCAACAGATCCCTGTTCATCTTCGGAGAAGATAACATTGTCAGGAAATATGC[C>G]AAGAAGCTCATCGATTGGCCATATCCTTTCTTGCCCACCATAACTCCCTCTCCCCCTTTG-3'
Protein context (NP_001192222.1, residues 72-92): FGEDNIVRKY[Ala82=]KKLIDWPPFE